The following is an entry in ClinVar:

NM_000553.6(WRN):c.3451G>A (p.Glu1151Lys)

Gene: WRN (WRN RecQ like helicase; plus strand). Cytogenetic location: 8p12.
Variant type: single nucleotide variant.
Coding change: c.3451G>A on transcript NM_000553.6 (MANE Select); coding-DNA position 3451, G replaced by A.
Protein change: p.Glu1151Lys; replaces glutamic acid 1151 with lysine.
Molecular consequence: missense variant.
Genome position (GRCh38, 1-based): chr8:31,147,120, G>A. VCF-style: chr8-31147120-G-A. GRCh37 (hg19) VCF-style: chr8-31004636-G-A.
Other names: short protein forms E1151K.
Identifiers: ClinVar variation 961079 (VCV000961079.2), dbSNP rs1802887261, ClinGen allele CA370925536.

ClinVar aggregate classification (germline): Uncertain significance (1 of 4 stars; one submission).

Conditions:
Werner syndrome (WRN). Identifiers: Orphanet 902, MedGen C0043119, MONDO:0010196, OMIM 277700.

Allele frequency attached by ClinVar (database versions not stated): gnomAD exomes below 0.00001.
gnomAD v4.1: 4 of 1,613,842 alleles (0.00025%); highest among the groups gnomAD compares: Non-Finnish European, 0.00025%; no homozygotes.

Submission:

Labcorp Genetics (formerly Invitae), Labcorp
Classification: Uncertain significance for Werner syndrome. Last evaluated: 2019-11-05. Review status: criteria provided, single submitter. Criteria: Invitae Variant Classification Sherloc (09022015). Collection method: clinical testing. Allele origin: germline.
Comment: This sequence change replaces glutamic acid with lysine at codon 1151 of the WRN protein (p.Glu1151Lys). The glutamic acid residue is weakly conserved and there is a small physicochemical difference between glutamic acid and lysine. This variant is not present in population databases (ExAC no frequency). This variant has not been reported in the literature in individuals with WRN-related conditions. Algorithms developed to predict the effect of missense changes on protein structure and function output the following: SIFT: Tolerated; PolyPhen-2: Benign; Align-GVGD: Class C0. The lysine amino acid residue is found in multiple mammalian species, suggesting that this missense change does not adversely affect protein function. These predictions have not been confirmed by published functional studies and their clinical significance is uncertain. In summary, the available evidence is currently insufficient to determine the role of this variant in disease. Therefore, it has been classified as a Variant of Uncertain Significance.